The following is an entry in ClinVar:

NM_001374353.1(GLI2):c.-12T>C

Gene: GLI2 (GLI family zinc finger 2; plus strand). Cytogenetic location: 2q14.2.
Variant type: single nucleotide variant.
Coding change: c.-12T>C on transcript NM_001374353.1 (MANE Select); 12 bases upstream of the start codon, T replaced by C.
Molecular consequence: 5 prime UTR variant.
Genome position (GRCh38, 1-based): chr2:120,797,309, T>C. VCF-style: chr2-120797309-T-C. GRCh37 (hg19) VCF-style: chr2-121554885-T-C.
Other names: c.-12T>C (NM_001371271.1, NM_005270.5); c.-281T>C (NM_001374354.1).
Identifiers: ClinVar variation 3769530 (VCV003769530.2).

ClinVar aggregate classification (germline): Uncertain significance (1 of 4 stars; one submission).

gnomAD v4.1: 10 of 1,613,770 alleles (0.00062%); highest among the groups gnomAD compares: Admixed American, 0.017%; no homozygotes.

Submission:

Women's Health and Genetics/Laboratory Corporation of America, LabCorp
Classification: Uncertain significance. Last evaluated: 2025-01-20. Review status: criteria provided, single submitter. Criteria: LabCorp Variant Classification Summary - May 2015. Collection method: clinical testing. Allele origin: germline.
Comment: Variant summary: GLI2 c.-12T>C is located in the untranslated mRNA region upstream of the initiation codon. The variant allele was found at a frequency of 6.2e-06 in 1613770 control chromosomes, predominantly at a frequency of 0.00017 within the Latino subpopulation in the gnomAD database. To our knowledge, no occurrence of c.-12T>C in individuals affected with GLI2-Related Disorders and no experimental evidence demonstrating its impact on protein function have been reported. No submitters have cited clinical-significance assessments for this variant to ClinVar. Based on the evidence outlined above, the variant was classified as uncertain significance.